The following is an entry in ClinVar:

NM_015599.3(PGM3):c.1366-2A>T

Genes: DOP1A (DOP1 leucine zipper like protein A; plus strand), PGM3 (phosphoglucomutase 3; minus strand). Cytogenetic location: 6q14.1.
Variant type: single nucleotide variant.
Coding change: c.1366-2A>T on transcript NM_015599.3 (MANE Select); the canonical splice acceptor site of the intron before coding-DNA position 1366, A replaced by T.
Molecular consequence: splice acceptor variant. On other transcripts: non-coding transcript variant (1).
Genome position (GRCh38, 1-based): chr6:83,170,480, T>A on the plus strand (A>T on the coding strand, the complement: PGM3 is on the minus strand). VCF-style: chr6-83170480-T-A. GRCh37 (hg19) VCF-style: chr6-83880199-T-A.
Other names: c.1450-2A>T (NM_001199917.2, NM_001367287.1); c.1123-2A>T (NM_001199918.2); c.1243-2A>T (NM_001367286.1); c.1366-2A>T (NM_001199919.2).
Identifiers: ClinVar variation 4762862 (VCV004762862.1).
Genomic context (GRCh38, chr6:83,170,480, plus strand): 5'-GGGGGTGTAACTGCTTGTCTTTCAGCATCGGTAGTGCTAATAACTCTCCTGTCTGCAACC[T>A]AAGTGCAAGCATTTCATATTTGTTACTCTATTACACTTCCTTTCAGAAGCTTAACCTGTT-3'

ClinVar aggregate classification (germline): Likely pathogenic (1 of 4 stars; one submission).

Conditions:
Immunodeficiency 23 (IMD23). Also called: IMMUNODEFICIENCY WITH HYPER IgE AND COGNITIVE IMPAIRMENT; IMMUNODEFICIENCY-VASCULITIS-MYOCLONUS SYNDROME. Identifiers: Orphanet 443811, MedGen C4014371, MONDO:0014353, OMIM 615816.

Submission:

Labcorp Genetics (formerly Invitae), Labcorp
Classification: Likely pathogenic for Immunodeficiency 23. Last evaluated: 2025-07-21. Review status: criteria provided, single submitter. Criteria: Invitae Variant Classification Sherloc (09022015). Collection method: clinical testing. Allele origin: germline.
Comment: This sequence change affects an acceptor splice site in intron 12 of the PGM3 gene. It is expected to disrupt RNA splicing. Variants that disrupt the donor or acceptor splice site typically lead to a loss of protein function (PMID: 16199547), and loss-of-function variants in PGM3 are known to be pathogenic (PMID: 17548465, 24589341, 24931394). This variant is not present in population databases (gnomAD no frequency). This variant has not been reported in the literature in individuals affected with PGM3-related conditions. Algorithms developed to predict the effect of sequence changes on RNA splicing suggest that this variant may disrupt the consensus splice site. In summary, the currently available evidence indicates that the variant is pathogenic, but additional data are needed to prove that conclusively. Therefore, this variant has been classified as Likely Pathogenic.

Literature cited by the submitters: PubMed 16199547; PubMed 17548465; PubMed 24589341; PubMed 24931394.